The following is an entry in ClinVar:

ClinVar aggregate classification (germline): Likely pathogenic (1 of 4 stars; one submission).

Submission:

GeneDx
Classification: Likely pathogenic. Last evaluated: 2021-05-06. Review status: criteria provided, single submitter. Criteria: GeneDx Variant Classification Process June 2021. Collection method: clinical testing. Allele origin: germline. Affected: yes.
Comment: In-frame insertion of four amino acids in a non-repeat region (P-loop within the GTP binding region) predicted to critically alter the protein (Capri et al., 2019); Not observed in large population cohorts (Lek et al., 2016); Has not been previously published as pathogenic or benign to our knowledge

NM_012250.6(RRAS2):c.62_73dup (p.Gly21_Gly24dup)

Genes: RRAS2 (RAS related 2; minus strand), LOC130005368 (ATAC-STARR-seq lymphoblastoid silent region 3172; plus strand). Cytogenetic location: 11p15.2.
Variant type: Duplication.
Coding change: c.62_73dup on transcript NM_012250.6 (MANE Select); coding-DNA positions 62 to 73, 12 bases duplicated (GCGGGGGCGGCG).
Protein change: p.Gly21_Gly24dup.
Molecular consequence: inframe insertion. On other transcripts: intron variant (1).
Genome position (GRCh38, 1-based): chr11:14,358,798-14,358,809, CGCCGCCCCCGC duplicated on the plus strand (GCGGGGGCGGCG on the coding strand, the reverse complement: RRAS2 is on the minus strand); duplicating any 12 consecutive bases within chr11:14,358,798-14,358,811 gives the same sequence; the c. name uses the placement nearest the transcript's 3' end. VCF-style (leftmost placement, unchanged base first): chr11-14358797-A-ACGCCGCCCCCGC. GRCh37 (hg19) VCF-style: chr11-14380343-A-ACGCCGCCCCCGC.
Other names: c.3+5582_3+5593dup (NM_001177314.2).
Identifiers: ClinVar variation 1201613 (VCV001201613.3), dbSNP rs1591495776, ClinGen allele CA1139768718.
Genomic context (GRCh38, chr11:14,358,797, plus strand): 5'-GCCCCGGGCAGGCCCGCTCCAGGTACCTGGATGAACTGGATGGTGAGCGCCGACTTGCCC[A>ACGCCGCCCCCGC]CGCCGCCCCCGCCGACCACCACGAGCCGGTACTTCTCCTGGCCGGAGCCGTCCCGCCAGC-3'